The following is an entry in ClinVar:

ClinVar aggregate classification (germline): Uncertain significance (1 of 4 stars; one submission).

Submission:

Labcorp Genetics (formerly Invitae), Labcorp
Classification: Uncertain significance. Last evaluated: 2024-02-08. Review status: criteria provided, single submitter. Criteria: Invitae Variant Classification Sherloc (09022015). Collection method: clinical testing. Allele origin: germline.
Comment: This sequence change replaces glycine, which is neutral and non-polar, with cysteine, which is neutral and slightly polar, at codon 576 of the PDE6B protein (p.Gly576Cys). This variant is not present in population databases (gnomAD no frequency). This variant has not been reported in the literature in individuals affected with PDE6B-related conditions. Advanced modeling of protein sequence and biophysical properties (such as structural, functional, and spatial information, amino acid conservation, physicochemical variation, residue mobility, and thermodynamic stability) has been performed at Invitae for this missense variant, however the output from this modeling did not meet the statistical confidence thresholds required to predict the impact of this variant on PDE6B protein function. This variant disrupts the p.Gly576 amino acid residue in PDE6B. Other variant(s) that disrupt this residue have been determined to be pathogenic (PMID: 30998820; Invitae). This suggests that this residue is clinically significant, and that variants that disrupt this residue are likely to be disease-causing. In summary, the available evidence is currently insufficient to determine the role of this variant in disease. Therefore, it has been classified as a Variant of Uncertain Significance.

Literature cited by the submitters: PubMed 30998820.

NM_000283.4(PDE6B):c.1726G>T (p.Gly576Cys)

Gene: PDE6B (phosphodiesterase 6B; plus strand). Cytogenetic location: 4p16.3.
Variant type: single nucleotide variant.
Coding change: c.1726G>T on transcript NM_000283.4 (MANE Select); coding-DNA position 1726, G replaced by T.
Protein change: p.Gly576Cys; replaces glycine 576 with cysteine.
Molecular consequence: missense variant.
Genome position (GRCh38, 1-based): chr4:662,512, G>T. VCF-style: chr4-662512-G-T. GRCh37 (hg19) VCF-style: chr4-656301-G-T.
Other names: c.1726G>T, p.Gly576Cys (NM_001145291.2); c.889G>T, p.Gly297Cys (NM_001145292.2, NM_001350154.3, NM_001379246.1 and 1 more transcripts); c.571G>T, p.Gly191Cys (NM_001350155.3); short protein forms G297C, G191C, G576C.
Identifiers: ClinVar variation 3692790 (VCV003692790.2).